The following is an entry in ClinVar:

ClinVar aggregate classification (germline): Uncertain significance (1 of 4 stars; one submission).

Conditions:
Neuromuscular disease caused by qualitative or quantitative defects of dysferlin. Also called: Qualitative or quantitative defects of dysferlin; Dysferlinopathy. Identifiers: Orphanet 207073, MedGen C2931687, MONDO:0016145.

Allele frequency attached by ClinVar (database versions not stated): gnomAD exomes 0.00001; ExAC 0.00002; gnomAD 0.00002.
gnomAD v4.1: 12 of 1,614,080 alleles (0.00074%); highest among the groups gnomAD compares: East Asian, 0.0045%; no homozygotes.

Submission:

Labcorp Genetics (formerly Invitae), Labcorp
Classification: Uncertain significance for Neuromuscular disease caused by qualitative or quantitative defects of dysferlin. Last evaluated: 2022-10-04. Review status: criteria provided, single submitter. Criteria: Invitae Variant Classification Sherloc (09022015). Collection method: clinical testing. Allele origin: germline.
Comment: This sequence change replaces threonine, which is neutral and polar, with methionine, which is neutral and non-polar, at codon 1188 of the DYSF protein (p.Thr1188Met). This variant is present in population databases (rs781339971, gnomAD 0.005%). This variant has not been reported in the literature in individuals affected with DYSF-related conditions. Advanced modeling of protein sequence and biophysical properties (such as structural, functional, and spatial information, amino acid conservation, physicochemical variation, residue mobility, and thermodynamic stability) performed at Invitae indicates that this missense variant is expected to disrupt DYSF protein function. In summary, the available evidence is currently insufficient to determine the role of this variant in disease. Therefore, it has been classified as a Variant of Uncertain Significance.

NM_001130987.2(DYSF):c.3617C>T (p.Thr1206Met)

Gene: DYSF (dysferlin; plus strand). Cytogenetic location: 2p13.2.
Variant type: single nucleotide variant.
Coding change: c.3617C>T on transcript NM_001130987.2 (MANE Select); coding-DNA position 3617, C replaced by T.
Protein change: p.Thr1206Met; replaces threonine 1206 with methionine.
Molecular consequence: missense variant.
Genome position (GRCh38, 1-based): chr2:71,598,606, C>T. VCF-style: chr2-71598606-C-T. GRCh37 (hg19) VCF-style: chr2-71825736-C-T.
Other names: c.3566C>T, p.Thr1189Met (NM_001130455.2, NM_001130983.2); c.3521C>T, p.Thr1174Met (NM_001130976.2, NM_001130977.2); c.3614C>T, p.Thr1205Met (NM_001130981.2, NM_001130980.2); c.3659C>T, p.Thr1220Met (NM_001130982.2); c.3524C>T, p.Thr1175Met (NM_001130984.2, NM_001130986.2); c.3617C>T, p.Thr1206Met (NM_001130985.2); c.3563C>T, p.Thr1188Met (NM_003494.4, NM_001130978.2); c.3656C>T, p.Thr1219Met (NM_001130979.2); short protein forms T1219M, T1206M, T1189M, T1205M, T1220M, T1174M, T1175M, T1188M.
Identifiers: ClinVar variation 2139829 (VCV002139829.1), dbSNP rs781339971, ClinGen allele CA1706655.